The following is an entry in ClinVar:

NM_000059.4(BRCA2):c.9369C>T (p.Ser3123=)

Gene: BRCA2 (BRCA2 DNA repair associated; plus strand). Cytogenetic location: 13q13.1.
Variant type: single nucleotide variant.
Coding change: c.9369C>T on transcript NM_000059.4 (MANE Select); coding-DNA position 9369, C replaced by T.
Protein change: p.Ser3123=; no amino-acid change (serine 3123 retained).
Molecular consequence: synonymous variant.
Genome position (GRCh38, 1-based): chr13:32,394,801, C>T. VCF-style: chr13-32394801-C-T. GRCh37 (hg19) VCF-style: chr13-32968938-C-T.
Identifiers: ClinVar variation 220108 (VCV000220108.19), dbSNP rs587781901, ClinGen allele CA350037.

ClinVar aggregate classification (germline): Likely benign. Review status: reviewed by expert panel (3 of 4 stars). 5 submissions from 5 submitters: Likely benign (1). 4 of the submissions do not count toward it. Last evaluated 2017-06-29.

Conditions:
Hereditary cancer-predisposing syndrome. Also called: Tumor predisposition; Hereditary neoplastic syndrome; Neoplastic Syndromes, Hereditary; Hereditary Cancer Syndrome. Identifiers: Orphanet 140162, MedGen C0027672, MeSH D009386, MONDO:0015356.
Hereditary breast ovarian cancer syndrome. Also called: Hereditary breast and ovarian cancer; BRCA1- and BRCA2-Associated Hereditary Breast and Ovarian Cancer; Hereditary breast and/or ovarian cancer syndrome; Hereditary breast and ovarian cancer syndrome; Hereditary breast and ovarian cancer syndrome (HBOC); Breast and ovarian cancer. Identifiers: Orphanet 145, MedGen C0677776, MeSH D061325, MONDO:0003582. Disease mechanism: loss of function.
Breast-ovarian cancer, familial, susceptibility to, 2 (BROVCA2). Also called: BRCA2 Hereditary Breast and Ovarian Cancer. Identifiers: Orphanet 145, MedGen C2675520, MONDO:0012933, OMIM 612555. Disease mechanism: loss of function.

Allele frequency attached by ClinVar (database versions not stated): gnomAD exomes 0.00001.
gnomAD v4.1: 3 of 1,614,148 alleles (0.00019%); highest among the groups gnomAD compares: Non-Finnish European, 0.00025%; no homozygotes.

Submissions (5):

Evidence-based Network for the Interpretation of Germline Mutant Alleles (ENIGMA)
Classification: Likely benign for Breast-ovarian cancer, familial, susceptibility to, 2. Last evaluated: 2017-06-29. Review status: reviewed by expert panel. Criteria: ENIGMA BRCA1/2 Classification Criteria (2017-06-29). Collection method: curation. Allele origin: germline.
Comment: Synonymous substitution variant, with low bioinformatic likelihood to result in a splicing aberration (Splicing prior probability 0.02).

Color Diagnostics, LLC DBA Color Health
Classification: Likely benign for Hereditary cancer-predisposing syndrome. Last evaluated: 2025-08-25. Review status: criteria provided, single submitter. Criteria: ACMG Guidelines, 2015. Collection method: clinical testing. Allele origin: germline. Not counted in ClinVar's aggregate classification.

Labcorp Genetics (formerly Invitae), Labcorp
Classification: Likely benign for Hereditary breast ovarian cancer syndrome. Last evaluated: 2025-08-05. Review status: criteria provided, single submitter. Criteria: Invitae Variant Classification Sherloc (09022015). Collection method: clinical testing. Allele origin: germline. Not counted in ClinVar's aggregate classification.

GeneDx
Classification: Likely benign. Last evaluated: 2018-01-20. Review status: criteria provided, single submitter. Criteria: GeneDx Variant Classification (06012015). Collection method: clinical testing. Allele origin: germline. Affected: yes. Not counted in ClinVar's aggregate classification.
Comment: This variant is considered likely benign or benign based on one or more of the following criteria: it is a conservative change, it occurs at a poorly conserved position in the protein, it is predicted to be benign by multiple in silico algorithms, and/or has population frequency not consistent with disease.

Ambry Genetics
Classification: Likely benign for Hereditary cancer-predisposing syndrome. Last evaluated: 2015-10-24. Review status: criteria provided, single submitter. Criteria: Ambry Variant Classification Scheme 2023. Collection method: clinical testing. Allele origin: germline. Not counted in ClinVar's aggregate classification.